The following is an entry in ClinVar:

ClinVar aggregate classification (germline): Uncertain significance (1 of 4 stars; one submission).

gnomAD v4.1: 1 of 1,613,736 alleles (0.000062%); highest among the groups gnomAD compares: South Asian, 0.0011%; no homozygotes.

Submission:

Labcorp Genetics (formerly Invitae), Labcorp
Classification: Uncertain significance. Last evaluated: 2025-11-22. Review status: criteria provided, single submitter. Criteria: Invitae Variant Classification Sherloc (09022015). Collection method: clinical testing. Allele origin: germline.
Comment: This sequence change falls in intron 74 of the COL7A1 gene. It does not directly change the encoded amino acid sequence of the COL7A1 protein. This variant is not present in population databases (gnomAD no frequency). This variant has not been reported in the literature in individuals affected with COL7A1-related conditions. Algorithms developed to predict the effect of sequence changes on RNA splicing suggest that this variant may disrupt the consensus splice site. In summary, the available evidence is currently insufficient to determine the role of this variant in disease. Therefore, it has been classified as a Variant of Uncertain Significance.

NM_000094.4(COL7A1):c.6217-8T>G

Gene: COL7A1 (collagen type VII alpha 1 chain; minus strand). Cytogenetic location: 3p21.31.
Variant type: single nucleotide variant.
Coding change: c.6217-8T>G on transcript NM_000094.4 (MANE Select); 8 bases into the intron before coding-DNA position 6217, T replaced by G.
Molecular consequence: intron variant.
Genome position (GRCh38, 1-based): chr3:48,575,134, A>C on the plus strand (T>G on the coding strand, the complement: COL7A1 is on the minus strand). VCF-style: chr3-48575134-A-C. GRCh37 (hg19) VCF-style: chr3-48612567-A-C.
Identifiers: ClinVar variation 4731439 (VCV004731439.1).